The following is an entry in ClinVar:

ClinVar aggregate classification (germline): Uncertain significance (1 of 4 stars; one submission).

gnomAD v4.1: 1 of 1,612,488 alleles (0.000062%); highest among the groups gnomAD compares: Non-Finnish European, 0.000085%; no homozygotes.

Submission:

Labcorp Genetics (formerly Invitae), Labcorp
Classification: Uncertain significance. Last evaluated: 2025-03-18. Review status: criteria provided, single submitter. Criteria: Invitae Variant Classification Sherloc (09022015). Collection method: clinical testing. Allele origin: germline.
Comment: This sequence change replaces valine, which is neutral and non-polar, with leucine, which is neutral and non-polar, at codon 402 of the MCM5 protein (p.Val402Leu). This variant is not present in population databases (gnomAD no frequency). This variant has not been reported in the literature in individuals affected with MCM5-related conditions. ClinVar contains an entry for this variant (Variation ID: 1384074). An algorithm developed to predict the effect of missense changes on protein structure and function (PolyPhen-2) suggests that this variant is likely to be disruptive. In summary, the available evidence is currently insufficient to determine the role of this variant in disease. Therefore, it has been classified as a Variant of Uncertain Significance.

NM_006739.4(MCM5):c.1204G>C (p.Val402Leu)

Gene: MCM5 (minichromosome maintenance complex component 5; plus strand). Cytogenetic location: 22q12.3.
Variant type: single nucleotide variant.
Coding change: c.1204G>C on transcript NM_006739.4 (MANE Select); coding-DNA position 1204, G replaced by C.
Protein change: p.Val402Leu; replaces valine 402 with leucine.
Molecular consequence: missense variant.
Genome position (GRCh38, 1-based): chr22:35,415,829, G>C. VCF-style: chr22-35415829-G-C. GRCh37 (hg19) VCF-style: chr22-35811822-G-C.
Other names: short protein forms V402L.
Identifiers: ClinVar variation 1384074 (VCV001384074.6), dbSNP rs768308143, ClinGen allele CA411346456.